The following is an entry in ClinVar:

NM_001093.4(ACACB):c.5835G>A (p.Leu1945=)

Gene: ACACB (acetyl-CoA carboxylase beta; plus strand). Cytogenetic location: 12q24.11.
Variant type: single nucleotide variant.
Coding change: c.5835G>A on transcript NM_001093.4 (MANE Select); coding-DNA position 5835, G replaced by A.
Protein change: p.Leu1945=; no amino-acid change (leucine 1945 retained).
Molecular consequence: synonymous variant.
Genome position (GRCh38, 1-based): chr12:109,252,090, G>A. VCF-style: chr12-109252090-G-A. GRCh37 (hg19) VCF-style: chr12-109689895-G-A.
Identifiers: ClinVar variation 718455 (VCV000718455.4), dbSNP rs140927923, ClinGen allele CA6774879.

ClinVar aggregate classification (germline): Likely benign. Review status: criteria provided, multiple submitters, no conflicts (2 of 4 stars). 2 submissions from 2 submitters: Likely benign (2). Last evaluated 2024-12-12.

Conditions:
ACACB-related disorder. Also called: ACACB-related condition.

Allele frequency attached by ClinVar (database versions not stated): gnomAD exomes 0.00006 and 0.00009; ExAC 0.00009; gnomAD 0.00009 and 0.00010; TOPMed 0.00011; ESP Exome Variant Server 0.00023.
gnomAD v4.1: 98 of 1,613,548 alleles (0.0061%); highest among the groups gnomAD compares: Admixed American, 0.017%; no homozygotes.

Submissions (2):

PreventionGenetics, part of Exact Sciences
Classification: Likely benign for ACACB-related condition. Last evaluated: 2024-12-12. Review status: criteria provided, single submitter. Criteria: ACMG Guidelines, 2015. Collection method: clinical testing. Allele origin: germline.
Comment: This variant is classified as likely benign based on ACMG/AMP sequence variant interpretation guidelines (Richards et al. 2015 PMID: 25741868, with internal and published modifications).

Labcorp Genetics (formerly Invitae), Labcorp
Classification: Likely benign. Last evaluated: 2018-06-21. Review status: criteria provided, single submitter. Criteria: Invitae Variant Classification Sherloc (09022015). Collection method: clinical testing. Allele origin: germline.